The following is an entry in ClinVar:

ClinVar aggregate classification (germline): Likely pathogenic (1 of 4 stars; one submission).

Conditions:
Ataxia-telangiectasia syndrome (AT). Also called: LOUIS-BAR SYNDROME; Ataxia-telangiectasia, complementation group D; AT, COMPLEMENTATION GROUP C; ATAXIA-TELANGIECTASIA, COMPLEMENTATION GROUP A; ATAXIA-TELANGIECTASIA, FRESNO VARIANT; Ataxia-telangiectasia. Identifiers: Orphanet 100, MedGen C0004135, MONDO:0008840, OMIM 208900.
Familial cancer of breast. Also called: hereditary breast carcinoma; Hereditary breast cancer; BREAST CANCER, FAMILIAL. Identifiers: Orphanet 227535, MedGen C0346153, MONDO:0016419, OMIM 114480. Disease mechanism: loss of function.

Submission:

Juno Genomics, Hangzhou Juno Genomics, Inc
Classification: Likely pathogenic for Familial cancer of breast; Ataxia-telangiectasia syndrome. Review status: criteria provided, single submitter. Criteria: ACMG Guidelines, 2015. Collection method: clinical testing. Allele origin: germline.
Comment: Absent from controls (or at extremely low frequency if recessive) in Genome Aggregation Database.;Null variant in a gene where loss of function (LOF) is a known mechanism of disease.

NM_000051.4(ATM):c.3902_3917del (p.Glu1301fs)

Gene: ATM (ATM serine/threonine kinase; plus strand). Cytogenetic location: 11q22.3.
Variant type: Deletion.
Coding change: c.3902_3917del on transcript NM_000051.4 (MANE Select); coding-DNA positions 3902 to 3917, 16 bases deleted (AGGGTACCAGAGACAG).
Protein change: p.Glu1301fs; shifts the reading frame from glutamic acid 1301.
Molecular consequence: frameshift variant.
Genome position (GRCh38, 1-based): chr11:108,284,382-108,284,397, AGGGTACCAGAGACAG deleted; deleting any 16 consecutive bases within chr11:108,284,381-108,284,397 gives the same sequence; the c. name uses the placement nearest the transcript's 3' end. VCF-style (leftmost placement, unchanged base first): chr11-108284380-TGAGGGTACCAGAGACA-T. GRCh37 (hg19) VCF-style: chr11-108155107-TGAGGGTACCAGAGACA-T.
Other names: c.3902_3917del, p.Glu1301fs (NM_001351834.2); short protein forms E1301fs.
Identifiers: ClinVar variation 5018634 (VCV005018634.2).